The following is an entry in ClinVar:

ClinVar aggregate classification (germline): Uncertain significance (1 of 4 stars; one submission).

Conditions:
Early-infantile DEE. Also called: Ohtahara syndrome; Early infantile epileptic encephalopathy; Early infantile epileptic encephalopathy with suppression bursts. Identifiers: Orphanet 1934, MedGen C0393706, MONDO:0800491.

Allele frequency attached by ClinVar (database versions not stated): gnomAD exomes below 0.00001 and 0.00001; ExAC 0.00001.

Submission:

Labcorp Genetics (formerly Invitae), Labcorp
Classification: Uncertain significance for Early-infantile DEE. Last evaluated: 2023-09-26. Review status: criteria provided, single submitter. Criteria: Invitae Variant Classification Sherloc (09022015). Collection method: clinical testing. Allele origin: germline.
Comment: In summary, the available evidence is currently insufficient to determine the role of this variant in disease. Therefore, it has been classified as a Variant of Uncertain Significance. Advanced modeling of protein sequence and biophysical properties (such as structural, functional, and spatial information, amino acid conservation, physicochemical variation, residue mobility, and thermodynamic stability) performed at Invitae indicates that this missense variant is not expected to disrupt SCN1A protein function. ClinVar contains an entry for this variant (Variation ID: 570354). This variant has not been reported in the literature in individuals affected with SCN1A-related conditions. This variant is present in population databases (rs776984527, gnomAD 0.002%). This sequence change replaces glutamic acid, which is acidic and polar, with lysine, which is basic and polar, at codon 1047 of the SCN1A protein (p.Glu1047Lys).

NM_001165963.4(SCN1A):c.3139G>A (p.Glu1047Lys)

Genes: SCN1A (sodium voltage-gated channel alpha subunit 1; minus strand), LOC102724058 (uncharacterized LOC102724058; plus strand). Cytogenetic location: 2q24.3.
Variant type: single nucleotide variant.
Coding change: c.3139G>A on transcript NM_001165963.4 (MANE Select); coding-DNA position 3139, G replaced by A.
Protein change: p.Glu1047Lys; replaces glutamic acid 1047 with lysine.
Molecular consequence: missense variant. On other transcripts: non-coding transcript variant (2).
Genome position (GRCh38, 1-based): chr2:166,036,338, C>T on the plus strand (G>A on the coding strand, the complement: SCN1A is on the minus strand). VCF-style: chr2-166036338-C-T. GRCh37 (hg19) VCF-style: chr2-166892848-C-T.
Other names: c.3055G>A, p.Glu1019Lys (NM_001165964.3, NM_001353957.2, NM_001353958.2); c.3139G>A, p.Glu1047Lys (NM_001202435.3, NM_001353948.2); c.3106G>A, p.Glu1036Lys (NM_001353949.2, NM_001353950.2, NM_001353951.2 and 2 more transcripts); c.3103G>A, p.Glu1035Lys (NM_001353954.2, NM_001353955.2); c.3052G>A, p.Glu1018Lys (NM_001353960.2); c.697G>A, p.Glu233Lys (NM_001353961.2); short protein forms E1036K, E1047K, E1019K, E1035K, E1018K, E233K.
Identifiers: ClinVar variation 570354 (VCV000570354.9), dbSNP rs776984527, ClinGen allele CA1943005.